The following is an entry in ClinVar:

ClinVar aggregate classification (germline): Uncertain significance (1 of 4 stars; one submission).

gnomAD v4.1: 75 of 1,548,816 alleles (0.0048%); highest among the groups gnomAD compares: South Asian, 0.006%; no homozygotes.

Submission:

Labcorp Genetics (formerly Invitae), Labcorp
Classification: Uncertain significance. Last evaluated: 2024-04-25. Review status: criteria provided, single submitter. Criteria: Invitae Variant Classification Sherloc (09022015). Collection method: clinical testing. Allele origin: germline.
Comment: This sequence change replaces arginine, which is basic and polar, with histidine, which is basic and polar, at codon 449 of the HECTD4 protein (p.Arg449His). This variant is present in population databases (rs538011539, gnomAD 0.03%). This variant has not been reported in the literature in individuals affected with HECTD4-related conditions. Experimental studies and prediction algorithms are not available or were not evaluated, and the functional significance of this variant is currently unknown. In summary, the available evidence is currently insufficient to determine the role of this variant in disease. Therefore, it has been classified as a Variant of Uncertain Significance.

NM_001388303.1(HECTD4):c.1778G>A (p.Arg593His)

Gene: HECTD4 (HECT domain E3 ubiquitin protein ligase 4; minus strand). Cytogenetic location: 12q24.13.
Variant type: single nucleotide variant.
Coding change: c.1778G>A on transcript NM_001388303.1 (MANE Select); coding-DNA position 1778, G replaced by A.
Protein change: p.Arg593His; replaces arginine 593 with histidine.
Molecular consequence: missense variant.
Genome position (GRCh38, 1-based): chr12:112,274,870, C>T on the plus strand (G>A on the coding strand, the complement: HECTD4 is on the minus strand). VCF-style: chr12-112274870-C-T. GRCh37 (hg19) VCF-style: chr12-112712674-C-T.
Other names: c.1778G>A, p.Arg593His (NM_001109662.4); short protein forms R593H.
Identifiers: ClinVar variation 3665402 (VCV003665402.2).
Genomic context (GRCh38, chr12:112,274,870, plus strand): 5'-GAAATTTTCCAAAGATATGTGCAAGTTTATTTCTTACCCAATCCTGGTACGAGAGCACCA[C>T]GCCCCAGTGAGCTTCCAGCAGCATCTATGAGATCTGCACGACTTGTAAACTGACCATCCG-3'
Protein context (NP_001375232.1, residues 583-603): LIDAAGSSLG[Arg593His]GALVPGLGAC